The following is an entry in ClinVar:

ClinVar aggregate classification (germline): Benign/Likely benign. Review status: criteria provided, multiple submitters, no conflicts (2 of 4 stars). 6 submissions from 5 submitters: Benign (1); Likely benign (5). Last evaluated 2026-01-07.

Conditions:
Fibrochondrogenesis 1 (FBCG1). Identifiers: Orphanet 2021, MedGen C3278138, MONDO:0009226, OMIM 228520.
Stickler syndrome type 2 (STL2). Also called: COL11A1-Related Stickler Syndrome; STICKLER SYNDROME, TYPE II; STICKLER SYNDROME, BEADED VITREOUS TYPE; STICKLER SYNDROME, VITREOUS TYPE 2. Identifiers: Orphanet 828, Orphanet 90654, MedGen C1858084, MONDO:0011493, OMIM 604841.

Allele frequency attached by ClinVar (database versions not stated): 1000 Genomes Project 0.00100; TOPMed 0.00126; 1000 Genomes Project 30x 0.00156; ESP Exome Variant Server 0.00208.
gnomAD v4.1: 402 of 1,613,216 alleles (0.025%); highest among the groups gnomAD compares: African/African-American, 0.47%; no homozygotes.

Submissions (6):

Labcorp Genetics (formerly Invitae), Labcorp
Classification: Benign. Last evaluated: 2026-01-07. Review status: criteria provided, single submitter. Criteria: Invitae Variant Classification Sherloc (09022015). Collection method: clinical testing. Allele origin: germline.

Blueprint Genetics
Classification: Likely benign. Last evaluated: 2024-09-02. Review status: criteria provided, single submitter. Criteria: ACMG Guidelines, 2015. Collection method: clinical testing. Allele origin: germline.

GeneDx
Classification: Likely benign. Last evaluated: 2021-01-08. Review status: criteria provided, single submitter. Criteria: GeneDx Variant Classification Process June 2021. Collection method: clinical testing. Allele origin: germline. Affected: yes.

Illumina Laboratory Services, Illumina
Classification: Likely benign for Fibrochondrogenesis 1. Last evaluated: 2018-01-12. Review status: criteria provided, single submitter. Criteria: ICSL Variant Classification Criteria 13 December 2019. Collection method: clinical testing. Allele origin: germline.
Comment: This variant was observed in the ICSL laboratory as part of a predisposition screen in an ostensibly healthy population. It had not been previously curated by ICSL or reported in the Human Gene Mutation Database (HGMD: prior to June 1st, 2018), and was therefore a candidate for classification through an automated scoring system. Utilizing variant allele frequency, disease prevalence and penetrance estimates, and inheritance mode, an automated score was calculated to assess if this variant is too frequent to cause the disease. Based on the score and internal cut-off values, a variant classified as likely benign is not then subjected to further curation. The score for this variant resulted in a classification of likely benign for this disease.

Illumina Laboratory Services, Illumina
Classification: Likely benign for Stickler syndrome type 2. Last evaluated: 2018-01-12. Review status: criteria provided, single submitter. Criteria: ICSL Variant Classification Criteria 13 December 2019. Collection method: clinical testing. Allele origin: germline.
Comment: the same text as in the submission from Illumina Laboratory Services, Illumina above.

Breakthrough Genomics
Classification: Likely benign. Review status: criteria provided, single submitter. Criteria: ACMG Guidelines, 2015. Collection method: not provided. Allele origin: germline. Inheritance: Autosomal recessive inheritance. Affected: yes.

NM_001854.4(COL11A1):c.3789A>G (p.Pro1263=)

Gene: COL11A1 (collagen type XI alpha 1 chain; minus strand). Cytogenetic location: 1p21.1.
Variant type: single nucleotide variant.
Coding change: c.3789A>G on transcript NM_001854.4 (MANE Select); coding-DNA position 3789, A replaced by G.
Protein change: p.Pro1263=; no amino-acid change (proline 1263 retained).
Molecular consequence: synonymous variant. On other transcripts: non-coding transcript variant (1).
Genome position (GRCh38, 1-based): chr1:102,915,658, T>C on the plus strand (A>G on the coding strand, the complement: COL11A1 is on the minus strand). VCF-style: chr1-102915658-T-C. GRCh37 (hg19) VCF-style: chr1-103381214-T-C.
Other names: c.3672A>G, p.Pro1224= (NM_001190709.2); c.3825A>G, p.Pro1275= (NM_080629.3); c.3441A>G, p.Pro1147= (NM_080630.4).
Identifiers: ClinVar variation 291511 (VCV000291511.19), dbSNP rs144729226, ClinGen allele CA973844.